The following is an entry in ClinVar:

ClinVar aggregate classification (germline): Pathogenic (1 of 4 stars; one submission).

Conditions:
Hyperornithinemia-hyperammonemia-homocitrullinuria syndrome (HHHS). Also called: HHH SYNDROME; Ornithine translocase deficiency. Identifiers: Orphanet 415, MedGen C0268540, MONDO:0009393, OMIM 238970.

Submission:

Labcorp Genetics (formerly Invitae), Labcorp
Classification: Pathogenic for Hyperornithinemia-hyperammonemia-homocitrullinuria syndrome. Last evaluated: 2023-04-15. Review status: criteria provided, single submitter. Criteria: Invitae Variant Classification Sherloc (09022015). Collection method: clinical testing. Allele origin: germline.
Comment: For these reasons, this variant has been classified as Pathogenic. This variant disrupts a region of the SLC25A15 protein in which other variant(s) (p.Thr272Ile) have been determined to be pathogenic (PMID: 19242930, 24473688). This suggests that this is a clinically significant region of the protein, and that variants that disrupt it are likely to be disease-causing. Variants that disrupt the consensus splice site are a relatively common cause of aberrant splicing (PMID: 17576681, 9536098). Algorithms developed to predict the effect of sequence changes on RNA splicing suggest that this variant may disrupt the consensus splice site. This variant has not been reported in the literature in individuals affected with SLC25A15-related conditions. This variant is not present in population databases (gnomAD no frequency). This sequence change affects a donor splice site in intron 6 of the SLC25A15 gene. While this variant is not anticipated to result in nonsense mediated decay, it likely alters RNA splicing and results in a disrupted protein product.

Literature cited by the submitters: PubMed 19242930; PubMed 24473688; PubMed 17576681; PubMed 9536098.

NM_014252.4(SLC25A15):c.781+2T>A

Gene: SLC25A15 (solute carrier family 25 member 15; plus strand). Cytogenetic location: 13q14.11.
Variant type: single nucleotide variant.
Coding change: c.781+2T>A on transcript NM_014252.4 (MANE Select); the canonical splice donor site of the intron after coding-DNA position 781, T replaced by A.
Molecular consequence: splice donor variant.
Genome position (GRCh38, 1-based): chr13:40,808,598, T>A. VCF-style: chr13-40808598-T-A. GRCh37 (hg19) VCF-style: chr13-41382734-T-A.
Identifiers: ClinVar variation 2856575 (VCV002856575.3), dbSNP rs2546922730, ClinGen allele CA387919272.
Genomic context (GRCh38, chr13:40,808,598, plus strand): 5'-CATGTCTGGAAAACAGGCAGGATTTATCAGAACCTTTATAAATGTTGTGAAAAATGAAGG[T>A]GAGTAAATACCTGTTTTTCAAGCATCTATATACATCTTAAAATCTGAGATACGGGCCGGG-3'